The following is an entry in ClinVar:

NM_012213.3(MLYCD):c.376G>T (p.Glu126Ter)

Gene: MLYCD (malonyl-CoA decarboxylase; plus strand). Cytogenetic location: 16q23.3.
Variant type: single nucleotide variant.
Coding change: c.376G>T on transcript NM_012213.3 (MANE Select); coding-DNA position 376, G replaced by T.
Protein change: p.Glu126Ter; replaces glutamic acid 126 with a stop codon.
Molecular consequence: nonsense.
Genome position (GRCh38, 1-based): chr16:83,899,520, G>T. VCF-style: chr16-83899520-G-T. GRCh37 (hg19) VCF-style: chr16-83933125-G-T.
Other names: short protein forms E126*.
Identifiers: ClinVar variation 2854885 (VCV002854885.3), dbSNP rs1375748581, ClinGen allele CA396918207.

ClinVar aggregate classification (germline): Pathogenic (1 of 4 stars; one submission).

Conditions:
Deficiency of malonyl-CoA decarboxylase. Also called: Malonic aciduria; MCD deficiency. Identifiers: Orphanet 943, MedGen C0342793, MONDO:0009556, OMIM 248360.

gnomAD v4.1: 1 of 1,588,940 alleles (0.000063%); highest among the groups gnomAD compares: Non-Finnish European, 0.000085%; no homozygotes.

Submission:

Labcorp Genetics (formerly Invitae), Labcorp
Classification: Pathogenic for Deficiency of malonyl-CoA decarboxylase. Last evaluated: 2023-04-10. Review status: criteria provided, single submitter. Criteria: Invitae Variant Classification Sherloc (09022015). Collection method: clinical testing. Allele origin: germline.
Comment: For these reasons, this variant has been classified as Pathogenic. This variant has not been reported in the literature in individuals affected with MLYCD-related conditions. This variant is not present in population databases (gnomAD no frequency). This sequence change creates a premature translational stop signal (p.Glu126*) in the MLYCD gene. It is expected to result in an absent or disrupted protein product. Loss-of-function variants in MLYCD are known to be pathogenic (PMID: 12955715, 17186413).

Literature cited by the submitters: PubMed 12955715; PubMed 17186413.